The following is an entry in ClinVar:

ClinVar aggregate classification (germline): Uncertain significance. Review status: criteria provided, multiple submitters, no conflicts (2 of 4 stars). 2 submissions from 2 submitters: Uncertain significance (2). Last evaluated 2023-03-27.

Conditions:
Hereditary cancer-predisposing syndrome. Also called: Neoplastic Syndromes, Hereditary; Hereditary Cancer Syndrome; Hereditary neoplastic syndrome; Tumor predisposition. Identifiers: Orphanet 140162, MedGen C0027672, MeSH D009386, MONDO:0015356.
Ataxia-telangiectasia syndrome (AT). Also called: LOUIS-BAR SYNDROME; Ataxia-telangiectasia, complementation group E; Ataxia-telangiectasia, complementation group D; AT, COMPLEMENTATION GROUP C; Ataxia telangiectasia (A-T); Cerebello-oculocutaneous telangiectasia. Identifiers: Orphanet 100, MedGen C0004135, MONDO:0008840, OMIM 208900.

Submissions (2):

Ambry Genetics
Classification: Uncertain significance for Hereditary cancer-predisposing syndrome. Last evaluated: 2023-03-27. Review status: criteria provided, single submitter. Criteria: Ambry Variant Classification Scheme 2023. Collection method: clinical testing. Allele origin: germline.
Comment: The p.V27L variant (also known as c.79G>C), located in coding exon 2 of the ATM gene, results from a G to C substitution at nucleotide position 79. The valine at codon 27 is replaced by leucine, an amino acid with highly similar properties. This amino acid position is not well conserved in available vertebrate species. In addition, this alteration is predicted to be tolerated by in silico analysis. Since supporting evidence is limited at this time, the clinical significance of this alteration remains unclear.

Labcorp Genetics (formerly Invitae), Labcorp
Classification: Uncertain significance for Ataxia-telangiectasia syndrome. Last evaluated: 2018-11-05. Review status: criteria provided, single submitter. Criteria: Invitae Variant Classification Sherloc (09022015). Collection method: clinical testing. Allele origin: germline.
Comment: In summary, the available evidence is currently insufficient to determine the role of this variant in disease. Therefore, it has been classified as a Variant of Uncertain Significance. Algorithms developed to predict the effect of missense changes on protein structure and function (SIFT, PolyPhen-2, Align-GVGD) all suggest that this variant is likely to be tolerated, but these predictions have not been confirmed by published functional studies and their clinical significance is uncertain. This variant has not been reported in the literature in individuals with ATM-related disease. This variant is not present in population databases (ExAC no frequency). This sequence change replaces valine with leucine at codon 27 of the ATM protein (p.Val27Leu). The valine residue is moderately conserved and there is a small physicochemical difference between valine and leucine.

NM_000051.4(ATM):c.79G>C (p.Val27Leu)

Gene: ATM (ATM serine/threonine kinase; plus strand). Cytogenetic location: 11q22.3.
Variant type: single nucleotide variant.
Coding change: c.79G>C on transcript NM_000051.4 (MANE Select); coding-DNA position 79, G replaced by C.
Protein change: p.Val27Leu; replaces valine 27 with leucine.
Molecular consequence: missense variant.
Genome position (GRCh38, 1-based): chr11:108,227,782, G>C. VCF-style: chr11-108227782-G-C. GRCh37 (hg19) VCF-style: chr11-108098509-G-C.
Other names: c.79G>C, p.Val27Leu (NM_001351834.2, NM_001351835.2, NM_001351836.2); short protein forms V27L.
Identifiers: ClinVar variation 640414 (VCV000640414.10), dbSNP rs754770960, ClinGen allele CA382519502.